The following is an entry in ClinVar:

NM_004360.5(CDH1):c.383A>G (p.His128Arg)

Gene: CDH1 (cadherin 1; plus strand). Cytogenetic location: 16q22.1.
Variant type: single nucleotide variant.
Coding change: c.383A>G on transcript NM_004360.5 (MANE Select); coding-DNA position 383, A replaced by G.
Protein change: p.His128Arg; replaces histidine 128 with arginine.
Molecular consequence: missense variant. On other transcripts: 5 prime UTR variant (2).
Genome position (GRCh38, 1-based): chr16:68,801,889, A>G. VCF-style: chr16-68801889-A-G. GRCh37 (hg19) VCF-style: chr16-68835792-A-G.
Other names: c.383A>G, p.His128Arg (NM_001317184.2); c.-1233A>G (NM_001317185.2); c.-1437A>G (NM_001317186.2); short protein forms H128R.
Identifiers: ClinVar variation 956509 (VCV000956509.8), dbSNP rs1960525322, ClinGen allele CA396457496.

ClinVar aggregate classification (germline): Conflicting classifications of pathogenicity. Review status: criteria provided, conflicting classifications (1 of 4 stars). 2 submissions from 2 submitters: Uncertain significance (1); Likely benign (1). Last evaluated 2024-03-18.

Conditions:
Hereditary cancer-predisposing syndrome. Also called: Hereditary neoplastic syndrome; Tumor predisposition; Neoplastic Syndromes, Hereditary; Hereditary Cancer Syndrome. Identifiers: Orphanet 140162, MedGen C0027672, MeSH D009386, MONDO:0015356.
Hereditary diffuse gastric adenocarcinoma (HDGC). Also called: DIFFUSE GASTRIC AND LOBULAR BREAST CANCER SYNDROME. Identifiers: Orphanet 26106, MedGen C1708349, MONDO:0007648, OMIM 137215.

Allele frequency attached by ClinVar (database versions not stated): gnomAD exomes below 0.00001.
gnomAD v4.1: 1 of 1,613,180 alleles (0.000062%); highest among the groups gnomAD compares: Non-Finnish European, 0.000085%; no homozygotes.

Submissions (2):

Ambry Genetics
Classification: Likely benign for Hereditary cancer-predisposing syndrome. Last evaluated: 2024-03-18. Review status: criteria provided, single submitter. Criteria: Ambry Variant Classification Scheme 2023. Collection method: clinical testing. Allele origin: germline.

Labcorp Genetics (formerly Invitae), Labcorp
Classification: Uncertain significance for Hereditary diffuse gastric adenocarcinoma. Last evaluated: 2021-08-31. Review status: criteria provided, single submitter. Criteria: Invitae Variant Classification Sherloc (09022015). Collection method: clinical testing. Allele origin: germline.
Comment: This sequence change replaces histidine with arginine at codon 128 of the CDH1 protein (p.His128Arg). The histidine residue is moderately conserved and there is a small physicochemical difference between histidine and arginine. This variant is not present in population databases (ExAC no frequency). This variant has not been reported in the literature in individuals affected with CDH1-related conditions. Algorithms developed to predict the effect of missense changes on protein structure and function output the following: SIFT: "Tolerated"; PolyPhen-2: "Benign"; Align-GVGD: "Class C0". The arginine amino acid residue is found in multiple mammalian species, which suggests that this missense change does not adversely affect protein function. In summary, the available evidence is currently insufficient to determine the role of this variant in disease. Therefore, it has been classified as a Variant of Uncertain Significance.